The following is an entry in ClinVar:

ClinVar aggregate classification (germline): Uncertain significance. Review status: criteria provided, multiple submitters, no conflicts (2 of 4 stars). 3 submissions from 3 submitters: Uncertain significance (3). Last evaluated 2025-02-05.

Conditions:
Cardiovascular phenotype. Identifiers: MedGen CN230736.
RASopathy. Also called: Noonan spectrum disorder; rasopathies. Identifiers: Orphanet 536391, MedGen C5555857, MONDO:0021060.
Noonan syndrome 4 (NS4). Also called: NOONAN SYNDROME WITH PIGMENTED VILLONODULAR SYNOVITIS; SOS1-Related Noonan Syndrome. Identifiers: Orphanet 648, MedGen C1853120, MONDO:0012547, OMIM 610733.

Allele frequency attached by ClinVar (database versions not stated): gnomAD exomes below 0.00001; TOPMed below 0.00001.
gnomAD v4.1: 2 of 1,609,284 alleles (0.00012%); highest among the groups gnomAD compares: Non-Finnish European, 0.00017%; no homozygotes.

Submissions (3):

St. Jude Molecular Pathology, St. Jude Children's Research Hospital
Classification: Uncertain significance for Noonan syndrome 4. Last evaluated: 2025-02-05. Review status: criteria provided, single submitter. Criteria: St. Jude Assertion Criteria 2020. Collection method: clinical testing. Allele origin: germline.
Comment: The SOS1 c.2153T>C p.(Ile718Thr) missense change is absent in gnomAD v2.1.1. The in silico tool REVEL is inconclusive about a pathogenic or benign effect of this variant on protein function, and to our knowledge functional studies have not been performed. To our knowledge, this variant has not been reported in individuals with Noonan syndrome. In summary, the evidence currently available is insufficient to determine the clinical significance of this variant. It has therefor e been classified as of uncertain significance.

Labcorp Genetics (formerly Invitae), Labcorp
Classification: Uncertain significance for RASopathy. Last evaluated: 2023-12-22. Review status: criteria provided, single submitter. Criteria: Invitae Variant Classification Sherloc (09022015). Collection method: clinical testing. Allele origin: germline.
Comment: This sequence change replaces isoleucine, which is neutral and non-polar, with threonine, which is neutral and polar, at codon 718 of the SOS1 protein (p.Ile718Thr). This variant is not present in population databases (gnomAD no frequency). This variant has not been reported in the literature in individuals affected with SOS1-related conditions. ClinVar contains an entry for this variant (Variation ID: 1786790). Advanced modeling of protein sequence and biophysical properties (such as structural, functional, and spatial information, amino acid conservation, physicochemical variation, residue mobility, and thermodynamic stability) performed at Invitae indicates that this missense variant is expected to disrupt SOS1 protein function with a positive predictive value of 95%. In summary, the available evidence is currently insufficient to determine the role of this variant in disease. Therefore, it has been classified as a Variant of Uncertain Significance.

Ambry Genetics
Classification: Uncertain significance for Cardiovascular phenotype. Last evaluated: 2021-07-01. Review status: criteria provided, single submitter. Criteria: Ambry Variant Classification Scheme 2023. Collection method: clinical testing. Allele origin: germline.
Comment: The p.I718T variant (also known as c.2153T>C), located in coding exon 13 of the SOS1 gene, results from a T to C substitution at nucleotide position 2153. The isoleucine at codon 718 is replaced by threonine, an amino acid with similar properties. This amino acid position is conserved. In addition, the in silico prediction for this alteration is inconclusive. Since supporting evidence is limited at this time, the clinical significance of this alteration remains unclear.

NM_005633.4(SOS1):c.2153T>C (p.Ile718Thr)

Gene: SOS1 (SOS Ras/Rac guanine nucleotide exchange factor 1; minus strand). Cytogenetic location: 2p22.1.
Variant type: single nucleotide variant.
Coding change: c.2153T>C on transcript NM_005633.4 (MANE Select); coding-DNA position 2153, T replaced by C.
Protein change: p.Ile718Thr; replaces isoleucine 718 with threonine.
Molecular consequence: missense variant.
Genome position (GRCh38, 1-based): chr2:39,013,474, A>G on the plus strand (T>C on the coding strand, the complement: SOS1 is on the minus strand). VCF-style: chr2-39013474-A-G. GRCh37 (hg19) VCF-style: chr2-39240615-A-G.
Other names: c.2132T>C, p.Ile711Thr (NM_001382394.1); c.2153T>C, p.Ile718Thr (NM_001382395.1); short protein forms I718T, I711T.
Identifiers: ClinVar variation 1786790 (VCV001786790.6), dbSNP rs1040115639, ClinGen allele CA45661494.
Genomic context (GRCh38, chr2:39,013,474, plus strand): 5'-TACTTTTATTACATATAAAACTAGGCACCTAAAAAAAAAAACATACCTCTTACTGTTCCA[A>G]TAAATTCTTCCATTCGTTGCAAAAGATATGCATCTCTTTCAAAATCATAGAAGTGGTGCT-3'
Protein context (NP_005624.2, residues 708-728): AYLLQRMEEF[Ile718Thr]GTVRGKAMKK